The following is an entry in ClinVar:

NM_003172.4(SURF1):c.752_755del

Gene: SURF1 (SURF1 cytochrome c oxidase assembly factor; minus strand). Cytogenetic location: 9q34.2.
Variant type: Microsatellite.
Coding change: c.752_755del on transcript NM_003172.4 (MANE Select); coding-DNA positions 752 to 755, 4 bases deleted (AGAG; older notation c.752_755delAGAG).
Genome position (GRCh38, 1-based): chr9:133,352,139-133,352,142, CTCT deleted on the plus strand (AGAG on the coding strand, the reverse complement: SURF1 is on the minus strand); deleting any 4 consecutive bases within chr9:133,352,139-133,352,144 gives the same sequence; the c. name uses the placement nearest the transcript's 3' end. VCF-style (leftmost placement, unchanged base first): chr9-133352138-GCTCT-G. GRCh37 (hg19) VCF-style: chr9-136218993-GCTCT-G.
Identifiers: ClinVar variation 2152072 (VCV002152072.7), dbSNP rs782007828, ClinGen allele CA860707272.
Genomic context (GRCh38, chr9:133,352,138, plus strand): 5'-CAGATGCTCGTTCCTCAGAGTAACTCTGGTTTGCCCTCCAATGGGTCCTCCAGGGACTGT[GCTCT>G]CTGTGGAGACAGCAGACTCAAGTCCACCCCCTACTGGCCTGCCAGCCTCTGCACCACTTC-3'

ClinVar aggregate classification (germline): Pathogenic. Review status: criteria provided, multiple submitters, no conflicts (2 of 4 stars). 2 submissions from 2 submitters: Pathogenic (2). Last evaluated 2024-03-20.

Conditions:
Mitochondrial complex IV deficiency, nuclear type 1 (MC4DN1). Also called: COX DEFICIENCY; Mitochondrial complex IV deficiency; Complex 4 mitochondrial respiratory chain deficiency; Deficiency of mitochondrial respiratory chain complex4; Complex IV deficiency. Identifiers: MedGen C5435656, MONDO:0700250, OMIM 220110. Disease mechanism: loss of function.
Charcot-Marie-Tooth disease type 4K. Also called: CHARCOT-MARIE-TOOTH DISEASE, DEMYELINATING, AUTOSOMAL RECESSIVE, TYPE 4K; CHARCOT-MARIE-TOOTH NEUROPATHY, DEMYELINATING, AUTOSOMAL RECESSIVE, TYPE 4K; CHARCOT-MARIE-TOOTH DISEASE, DEMYELINATING, TYPE 4K. Identifiers: Orphanet 391351, MedGen C4225246, MONDO:0014733, OMIM 616684.
Leigh syndrome (NULS). Also called: LEIGH SYNDROME, NUCLEAR; Leigh's syndrome; Leigh's necrotizing encephalopathy; Leigh's disease; Leigh Syndrome (mtDNA deletion); Leigh Disease. Identifiers: Orphanet 506, MedGen C2931891, MONDO:0009723, OMIM 256000.

Submissions (2):

Labcorp Genetics (formerly Invitae), Labcorp
Classification: Pathogenic for Leigh syndrome. Last evaluated: 2024-03-20. Review status: criteria provided, single submitter. Criteria: Invitae Variant Classification Sherloc (09022015). Collection method: clinical testing. Allele origin: germline.
Comment: This sequence change creates a premature translational stop signal (p.Gln251Profs*16) in the SURF1 gene. While this is not anticipated to result in nonsense mediated decay, it is expected to disrupt the last 50 amino acid(s) of the SURF1 protein. This variant is present in population databases (no rsID available, gnomAD 0.01%). This premature translational stop signal has been observed in individual(s) with Leigh syndrome (PMID: 22410471, 28639102, 29933018, 33013660). Algorithms developed to predict the effect of sequence changes on RNA splicing suggest that this variant may disrupt the consensus splice site. This variant disrupts a region of the SURF1 protein in which other variant(s) (p.Ser282Cysfs*9) have been determined to be pathogenic (PMID: 9837813, 16326995, 18583168, 22488715). This suggests that this is a clinically significant region of the protein, and that variants that disrupt it are likely to be disease-causing. For these reasons, this variant has been classified as Pathogenic.

Juno Genomics, Hangzhou Juno Genomics, Inc
Classification: Pathogenic for Charcot-Marie-Tooth disease type 4K; Mitochondrial complex IV deficiency, nuclear type 1. Review status: criteria provided, single submitter. Criteria: ACMG Guidelines, 2015. Collection method: clinical testing. Allele origin: germline.
Comment: Absent from controls (or at extremely low frequency if recessive) in Genome Aggregation Database.;Null variant in a gene where loss of function (LOF) is a known mechanism of disease.;For recessive disorders, detected in trans with a pathogenic variant.;Patient's phenotype or family history is highly specific for a disease with a single genetic etiology.

Literature cited by the submitters: PubMed 22410471 (cited by Labcorp Genetics (formerly Invitae), Labcorp); PubMed 28639102 (cited by Labcorp Genetics (formerly Invitae), Labcorp); PubMed 29933018 (cited by Labcorp Genetics (formerly Invitae), Labcorp); PubMed 33013660 (cited by Labcorp Genetics (formerly Invitae), Labcorp); PubMed 9837813 (cited by Labcorp Genetics (formerly Invitae), Labcorp); PubMed 16326995 (cited by Labcorp Genetics (formerly Invitae), Labcorp); PubMed 18583168 (cited by Labcorp Genetics (formerly Invitae), Labcorp); PubMed 22488715 (cited by Labcorp Genetics (formerly Invitae), Labcorp).